The following is an entry in ClinVar:

NM_016284.5(CNOT1):c.4271T>C (p.Val1424Ala)

Gene: CNOT1 (CCR4-NOT transcription complex subunit 1; minus strand). Cytogenetic location: 16q21.
Variant type: single nucleotide variant.
Coding change: c.4271T>C on transcript NM_016284.5 (MANE Select); coding-DNA position 4271, T replaced by C.
Protein change: p.Val1424Ala; replaces valine 1424 with alanine.
Molecular consequence: missense variant. On other transcripts: non-coding transcript variant (1).
Genome position (GRCh38, 1-based): chr16:58,543,770, A>G on the plus strand (T>C on the coding strand, the complement: CNOT1 is on the minus strand). VCF-style: chr16-58543770-A-G. GRCh37 (hg19) VCF-style: chr16-58577674-A-G.
Other names: c.4256T>C, p.Val1419Ala (NM_001265612.2); c.4271T>C, p.Val1424Ala (NM_206999.3); short protein forms V1424A, V1419A.
Identifiers: ClinVar variation 2751036 (VCV002751036.3), dbSNP rs1567396300, ClinGen allele CA396170113.

ClinVar aggregate classification (germline): Uncertain significance (1 of 4 stars; one submission).

Allele frequency attached by ClinVar (database versions not stated): gnomAD exomes below 0.00001; TOPMed below 0.00001.
gnomAD v4.1: 1 of 1,614,054 alleles (0.000062%); highest among the groups gnomAD compares: Admixed American, 0.0017%; no homozygotes.

Submission:

Labcorp Genetics (formerly Invitae), Labcorp
Classification: Uncertain significance. Last evaluated: 2022-11-28. Review status: criteria provided, single submitter. Criteria: Invitae Variant Classification Sherloc (09022015). Collection method: clinical testing. Allele origin: germline.
Comment: In summary, the available evidence is currently insufficient to determine the role of this variant in disease. Therefore, it has been classified as a Variant of Uncertain Significance. Algorithms developed to predict the effect of missense changes on protein structure and function (SIFT, PolyPhen-2, Align-GVGD) all suggest that this variant is likely to be disruptive. This variant has not been reported in the literature in individuals affected with CNOT1-related conditions. This variant is not present in population databases (gnomAD no frequency). This sequence change replaces valine, which is neutral and non-polar, with alanine, which is neutral and non-polar, at codon 1419 of the CNOT1 protein (p.Val1419Ala).